The following is an entry in ClinVar:

NM_000059.4(BRCA2):c.4985C>G (p.Ser1662Ter)

Gene: BRCA2 (BRCA2 DNA repair associated; plus strand). Cytogenetic location: 13q13.1.
Variant type: single nucleotide variant.
Coding change: c.4985C>G on transcript NM_000059.4 (MANE Select); coding-DNA position 4985, C replaced by G.
Protein change: p.Ser1662Ter; replaces serine 1662 with a stop codon.
Molecular consequence: nonsense.
Genome position (GRCh38, 1-based): chr13:32,339,340, C>G. VCF-style: chr13-32339340-C-G. GRCh37 (hg19) VCF-style: chr13-32913477-C-G.
Other names: 5213C>G (S1662X); short protein forms S1662*.
Identifiers: ClinVar variation 266842 (VCV000266842.7), dbSNP rs886040559, ClinGen allele CA10589281.

ClinVar aggregate classification (germline): Pathogenic. Review status: reviewed by expert panel (3 of 4 stars). 4 submissions from 4 submitters: Pathogenic (1). 3 of the submissions do not count toward it. Last evaluated 2016-10-18.

Conditions:
Breast-ovarian cancer, familial, susceptibility to, 2 (BROVCA2). Also called: BRCA2 Hereditary Breast and Ovarian Cancer. Identifiers: Orphanet 145, MedGen C2675520, MONDO:0012933, OMIM 612555. Disease mechanism: loss of function.
Hereditary cancer-predisposing syndrome. Also called: Hereditary neoplastic syndrome; Neoplastic Syndromes, Hereditary; Tumor predisposition; Hereditary Cancer Syndrome. Identifiers: Orphanet 140162, MedGen C0027672, MeSH D009386, MONDO:0015356.
Familial cancer of breast. Also called: hereditary breast carcinoma; BREAST CANCER, FAMILIAL; Hereditary breast cancer. Identifiers: Orphanet 227535, MedGen C0346153, MONDO:0016419, OMIM 114480. Disease mechanism: loss of function.

Submissions (4):

Evidence-based Network for the Interpretation of Germline Mutant Alleles (ENIGMA)
Classification: Pathogenic for Breast-ovarian cancer, familial, susceptibility to, 2. Last evaluated: 2016-10-18. Review status: reviewed by expert panel. Criteria: ENIGMA BRCA1/2 Classification Criteria (2015). Collection method: curation. Allele origin: germline.
Comment: Variant allele predicted to encode a truncated non-functional protein.

Ambry Genetics
Classification: Pathogenic for Hereditary cancer-predisposing syndrome. Last evaluated: 2023-09-25. Review status: criteria provided, single submitter. Criteria: Ambry Variant Classification Scheme 2023. Collection method: clinical testing. Allele origin: germline. Not counted in ClinVar's aggregate classification.
Comment: The p.S1662* pathogenic mutation (also known as c.4985C>G), located in coding exon 10 of the BRCA2 gene, results from a C to G substitution at nucleotide position 4985. This changes the amino acid from a serine to a stop codon within coding exon 10. This alteration is expected to result in loss of function by premature protein truncation or nonsense-mediated mRNA decay. As such, this alteration is interpreted as a disease-causing mutation.

Baylor Genetics
Classification: Pathogenic for Familial cancer of breast. Last evaluated: 2022-01-06. Review status: criteria provided, single submitter. Criteria: ACMG Guidelines, 2015. Collection method: clinical testing. Allele origin: unknown. Not counted in ClinVar's aggregate classification.

Consortium of Investigators of Modifiers of BRCA1/2 (CIMBA), c/o University of Cambridge
Classification: Pathogenic for Breast-ovarian cancer, familial, susceptibility to, 2. Last evaluated: 2015-10-02. Review status: criteria provided, single submitter. Criteria: CIMBA Mutation Classification guidelines May 2016. Collection method: clinical testing. Allele origin: germline. Not counted in ClinVar's aggregate classification.